The following is an entry in ClinVar:

NM_002528.7(NTHL1):c.712G>A (p.Ala238Thr)

Gene: NTHL1 (nth like DNA glycosylase 1; minus strand). Cytogenetic location: 16p13.3.
Variant type: single nucleotide variant.
Coding change: c.712G>A on transcript NM_002528.7 (MANE Select); coding-DNA position 712, G replaced by A.
Protein change: p.Ala238Thr; replaces alanine 238 with threonine.
Molecular consequence: missense variant.
Genome position (GRCh38, 1-based): chr16:2,040,212, C>T on the plus strand (G>A on the coding strand, the complement: NTHL1 is on the minus strand). VCF-style: chr16-2040212-C-T. GRCh37 (hg19) VCF-style: chr16-2090213-C-T.
Other names: c.541G>A, p.Ala181Thr (NM_001318193.2); c.382G>A, p.Ala128Thr (NM_001318194.2); c.712G>A, p.Ala238Thr (LRG_1366t1); short protein forms A238T, A181T, A128T.
Identifiers: ClinVar variation 646870 (VCV000646870.25), dbSNP rs147559648, ClinGen allele CA7828136.

ClinVar aggregate classification (germline): Conflicting classifications of pathogenicity. Review status: criteria provided, conflicting classifications (1 of 4 stars). 9 submissions from 9 submitters: Uncertain significance (7); Likely benign (1). 1 of the submissions does not count toward it. Last evaluated 2026-02-03.

Conditions:
Hereditary cancer-predisposing syndrome. Also called: Neoplastic Syndromes, Hereditary; Hereditary Cancer Syndrome; Tumor predisposition; Hereditary neoplastic syndrome. Identifiers: Orphanet 140162, MedGen C0027672, MeSH D009386, MONDO:0015356.
Familial adenomatous polyposis 3. Also called: NTHL1-associated polyposis; NTHL1-related attenuated familial adenomatous polyposis; NTHL1-Related Adenomatous Polyposis and Colorectal Cancer; NTHL1 Tumor Syndrome. Identifiers: Orphanet 220460, Orphanet 454840, MedGen C4225157, MONDO:0014630, OMIM 616415.
NTHL1-related disorder. Also called: NTHL1-related conditions; NTHL1-related condition.

Allele frequency attached by ClinVar (database versions not stated): gnomAD exomes 0.00016; ExAC 0.00021; gnomAD 0.00042 and 0.00043; 1000 Genomes Project 0.00060; TOPMed 0.00060; 1000 Genomes Project 30x 0.00062; ESP Exome Variant Server 0.00077.
gnomAD v4.1: 161 of 1,613,762 alleles (0.01%); highest among the groups gnomAD compares: African/African-American, 0.14%; no homozygotes.

Submissions (9):

Labcorp Genetics (formerly Invitae), Labcorp
Classification: Uncertain significance. Last evaluated: 2026-02-03. Review status: criteria provided, single submitter. Criteria: Invitae Variant Classification Sherloc (09022015). Collection method: clinical testing. Allele origin: germline.
Comment: This sequence change replaces alanine, which is neutral and non-polar, with threonine, which is neutral and polar, at codon 246 of the NTHL1 protein (p.Ala246Thr). This variant is present in population databases (rs147559648, gnomAD 0.2%). This variant has not been reported in the literature in individuals affected with NTHL1-related conditions. ClinVar contains an entry for this variant (Variation ID: 646870). An algorithm developed to predict the effect of missense changes on protein structure and function outputs the following: PolyPhen-2: "Benign". The threonine amino acid residue is found in multiple mammalian species, which suggests that this missense change does not adversely affect protein function. In summary, the available evidence is currently insufficient to determine the role of this variant in disease. Therefore, it has been classified as a Variant of Uncertain Significance.

Molecular Pathology, Peter Maccallum Cancer Centre
Classification: Uncertain significance for Familial adenomatous polyposis 3. Last evaluated: 2025-04-07. Review status: criteria provided, single submitter. Criteria: ACMG Guidelines, 2015. Collection method: clinical testing. Allele origin: germline. Inheritance: Autosomal recessive inheritance.

Quest Diagnostics Nichols Institute San Juan Capistrano
Classification: Uncertain significance. Last evaluated: 2025-02-01. Review status: criteria provided, single submitter. Criteria: Quest Diagnostics criteria. Collection method: clinical testing. Allele origin: unknown.
Comment: The NTHL1 c.736G>A (p.Ala246Thr) variant has been reported in the published literature in an individual with breast cancer (PMD: 32295625 (2020)). The frequency of this variant in the general population (Genome Aggregation Database) is higher than would generally be expected for pathogenic variants in this gene. Analysis of this variant using bioinformatics tools for the prediction of the effect of amino acid changes on protein structure and function yielded predictions that this variant is benign. Based on the available information, we are unable to determine the clinical significance of this variant.

GeneDx
Classification: Uncertain significance. Last evaluated: 2024-12-02. Review status: criteria provided, single submitter. Criteria: GeneDx Variant Classification Process June 2021. Collection method: clinical testing. Allele origin: germline. Affected: yes.
Comment: In silico analysis indicates that this missense variant does not alter protein structure/function; Observed in an individual with breast cancer who also harbored variants in other genes (PMID: 32295625); This variant is associated with the following publications: (PMID: 32295625)

Fulgent Genetics
Classification: Uncertain significance for Familial adenomatous polyposis 3. Last evaluated: 2024-03-06. Review status: criteria provided, single submitter. Criteria: ACMG Guidelines, 2015. Collection method: clinical testing. Allele origin: germline.

Baylor Genetics
Classification: Uncertain significance for Familial adenomatous polyposis 3. Last evaluated: 2024-02-16. Review status: criteria provided, single submitter. Criteria: ACMG Guidelines, 2015. Collection method: clinical testing. Allele origin: unknown.

Sema4
Classification: Uncertain significance for Hereditary cancer-predisposing syndrome. Last evaluated: 2022-03-14. Review status: criteria provided, single submitter. Criteria: Sema4 Curation Guidelines. Collection method: curation. Allele origin: germline.
Comment: The NTHL1 c.736G>A (p.A246T) variant has not been reported in the literature to our knowledge. It was observed in 41/24956 chromosomes of the African/African American subpopulation, with no homozygotes, in the large and broad cohorts of the Genome Aggregation Database (PMID: 32461654). This variant has been reported in ClinVar (Variation ID 646870). Functional studies have not been performed, and in silico predictions of the variant's effect on protein function are inconclusive. The evidence is insufficient to meet ACMG/AMP criteria for classifying the variant as benign or pathogenic. Thus, the clinical significance of this variant is currently uncertain.

Ambry Genetics
Classification: Likely benign for Hereditary cancer-predisposing syndrome. Last evaluated: 2021-12-02. Review status: criteria provided, single submitter. Criteria: Ambry Variant Classification Scheme 2023. Collection method: clinical testing. Allele origin: germline.

PreventionGenetics, part of Exact Sciences
Classification: Likely benign for NTHL1-related condition. Last evaluated: 2024-08-14. Review status: no assertion criteria provided. Collection method: clinical testing. Allele origin: germline. Not counted in ClinVar's aggregate classification.
Comment: This variant is classified as likely benign based on ACMG/AMP sequence variant interpretation guidelines (Richards et al. 2015 PMID: 25741868, with internal and published modifications).

Literature cited by the submitters: PubMed 32295625 (cited by Quest Diagnostics Nichols Institute San Juan Capistrano).